The following is an entry in ClinVar:

NM_000439.5(PCSK1):c.883-4T>C

Genes: CAST (calpastatin; plus strand), PCSK1 (proprotein convertase subtilisin/kexin type 1; minus strand), LOC101929710 (uncharacterized LOC101929710; plus strand). Cytogenetic location: 5q15.
Variant type: single nucleotide variant.
Coding change: c.883-4T>C on transcript NM_000439.5 (MANE Select); 4 bases into the intron before coding-DNA position 883, T replaced by C.
Molecular consequence: intron variant.
Genome position (GRCh38, 1-based): chr5:96,410,990, A>G on the plus strand (T>C on the coding strand, the complement: PCSK1 is on the minus strand). VCF-style: chr5-96410990-A-G. GRCh37 (hg19) VCF-style: chr5-95746694-A-G.
Other names: c.-175+31338A>G (NM_001423254.1, NM_001423259.1, NM_001423255.1 and 6 more transcripts); c.-103+31338A>G (NM_001423253.1); c.-40+31338A>G (NM_001423258.1); c.742-4T>C (NM_001177875.2).
Identifiers: ClinVar variation 4992350 (VCV004992350.1).
Genomic context (GRCh38, chr5:96,410,990, plus strand): 5'-CTGACGCCCCCCGTTTCCCGAAGCCCAGACGAAGATGGACCCCTTCCCCTGTCTCCCCTA[A>G]AGGAAAAGCCAGAATGCATATTATCTGTTATCATCTATTGGGGTCATTGTTATATCCCAA-3'

ClinVar aggregate classification (germline): Uncertain significance (1 of 4 stars; one submission).

Conditions:
PCSK1-related disorder. Also called: PCSK1-related condition.

Submission:

PreventionGenetics, part of Exact Sciences
Classification: Uncertain significance for PCSK1-related condition. Last evaluated: 2026-06-11. Review status: criteria provided, single submitter. Criteria: ACMG Guidelines, 2015. Collection method: clinical testing. Allele origin: germline.
Comment: The PCSK1 c.883-4T>C variant is predicted to interfere with splicing. To our knowledge, this variant has not been reported in the literature or in a large population database (gnomAD), indicating this variant is rare. At this time, the clinical significance of this variant is uncertain due to the absence of conclusive functional and genetic evidence.